The following is an entry in ClinVar:

NM_006267.5(RANBP2):c.1921T>A (p.Ser641Thr)

Gene: RANBP2 (RAN binding protein 2; plus strand). Cytogenetic location: 2q13.
Variant type: single nucleotide variant.
Coding change: c.1921T>A on transcript NM_006267.5 (MANE Select); coding-DNA position 1921, T replaced by A.
Protein change: p.Ser641Thr; replaces serine 641 with threonine.
Molecular consequence: missense variant.
Genome position (GRCh38, 1-based): chr2:108,753,429, T>A. VCF-style: chr2-108753429-T-A. GRCh37 (hg19) VCF-style: chr2-109369885-T-A.
Other names: short protein forms S641T.
Identifiers: ClinVar variation 1473102 (VCV001473102.7), dbSNP rs2149232307, ClinGen allele CA348052658.

ClinVar aggregate classification (germline): Uncertain significance (1 of 4 stars; one submission).

Conditions:
Familial acute necrotizing encephalopathy (IIAE3). Also called: ENCEPHALOPATHY, ACUTE, INFECTION-INDUCED, SUSCEPTIBILITY TO, 3; Susceptibility to Acute Necrotizing Encephalopathy 1. Identifiers: Orphanet 88619, MedGen C2675556, MONDO:0011953, OMIM 608033.

Submission:

Labcorp Genetics (formerly Invitae), Labcorp
Classification: Uncertain significance for Familial acute necrotizing encephalopathy. Last evaluated: 2021-10-20. Review status: criteria provided, single submitter. Criteria: Invitae Variant Classification Sherloc (09022015). Collection method: clinical testing. Allele origin: germline.
Comment: In summary, the available evidence is currently insufficient to determine the role of this variant in disease. Therefore, it has been classified as a Variant of Uncertain Significance. Algorithms developed to predict the effect of missense changes on protein structure and function are either unavailable or do not agree on the potential impact of this missense change (SIFT: "Deleterious"; PolyPhen-2: "Benign"; Align-GVGD: "Class C55"). This variant has not been reported in the literature in individuals affected with RANBP2-related conditions. This variant is not present in population databases (ExAC no frequency). This sequence change replaces serine with threonine at codon 641 of the RANBP2 protein (p.Ser641Thr). The serine residue is highly conserved and there is a small physicochemical difference between serine and threonine.